The following is an entry in ClinVar:

ClinVar aggregate classification (germline): Uncertain significance (1 of 4 stars; one submission).

Conditions:
PPARG-related disorder. Also called: PPARG-related condition; PPARG-related disorders.

Submission:

PreventionGenetics, part of Exact Sciences
Classification: Uncertain significance for PPARG-related condition. Last evaluated: 2024-10-10. Review status: criteria provided, single submitter. Criteria: ACMG Guidelines, 2015. Collection method: clinical testing. Allele origin: germline.
Comment: The PPARG c.237A>C variant is predicted to result in the amino acid substitution p.Glu79Asp. To our knowledge, this variant has not been reported in the literature or in a large population database (gnomAD), indicating this variant is rare. An alternate substitution impacting the same amino acid (p.Glu79Lys, also described as p.Glu51Lys) has been reported in individuals with dyslipidemia (Tables S3 and S4, Dron et al. 2020. PubMed ID: 32041611; Table S2, Deshotels et al. 2022. PubMed ID: 36325899). At this time, the clinical significance of the c.237A>C (p.Glu79Asp) variant is uncertain due to the absence of conclusive functional and genetic evidence.

NM_138711.6(PPARG):c.147A>C (p.Glu49Asp)

Gene: PPARG (peroxisome proliferator activated receptor gamma; plus strand). Cytogenetic location: 3p25.2.
Variant type: single nucleotide variant.
Coding change: c.147A>C on transcript NM_138711.6 (MANE Select); coding-DNA position 147, A replaced by C.
Protein change: p.Glu49Asp; replaces glutamic acid 49 with aspartic acid.
Molecular consequence: missense variant. On other transcripts: 5 prime UTR variant (1).
Genome position (GRCh38, 1-based): chr3:12,379,858, A>C. VCF-style: chr3-12379858-A-C. GRCh37 (hg19) VCF-style: chr3-12421357-A-C.
Other names: c.147A>C, p.Glu49Asp (NM_001330615.4, NM_001354666.3, NM_001354667.3 and 6 more transcripts); c.237A>C, p.Glu79Asp (NM_001354668.2, NM_001374265.1, NM_015869.5); c.-281A>C (NM_001354669.2); c.153A>C, p.Glu51Asp (NM_001354670.2, NM_001374266.1); short protein forms E49D, E79D, E51D.
Identifiers: ClinVar variation 4999025 (VCV004999025.1).
Genomic context (GRCh38, chr3:12,379,858, plus strand): 5'-CTTTGATATCAAGCCCTTCACTACTGTTGACTTCTCCAGCATTTCTACTCCACATTACGA[A>C]GACATTCCATTCACAAGAACAGATCCAGTGGTTGCAGATTACAAGTATGACCTGAAACTT-3'
Protein context (NP_619725.3, residues 39-59): DFSSISTPHY[Glu49Asp]DIPFTRTDPV